The following is an entry in ClinVar:

NM_152564.5(VPS13B):c.7655T>C (p.Met2552Thr)

Gene: VPS13B (vacuolar protein sorting 13 homolog B; plus strand). Cytogenetic location: 8q22.2.
Variant type: single nucleotide variant.
Coding change: c.7655T>C on transcript NM_152564.5 (MANE Select); coding-DNA position 7655, T replaced by C.
Protein change: p.Met2552Thr; replaces methionine 2552 with threonine.
Molecular consequence: missense variant.
Genome position (GRCh38, 1-based): chr8:99,778,907, T>C. VCF-style: chr8-99778907-T-C. GRCh37 (hg19) VCF-style: chr8-100791135-T-C.
Other names: c.7730T>C, p.Met2577Thr (NM_017890.5); short protein forms M2552T, M2577T.
Identifiers: ClinVar variation 3979935 (VCV003979935.2).

ClinVar aggregate classification (germline): Uncertain significance. Review status: criteria provided, multiple submitters, no conflicts (2 of 4 stars). 2 submissions from 2 submitters: Uncertain significance (2). Last evaluated 2026-06-06.

Conditions:
VPS13B-related disorder. Also called: VPS13B-related condition.
Inborn genetic diseases. Identifiers: MedGen C0950123, MeSH D030342.

gnomAD v4.1: 6 of 1,613,900 alleles (0.00037%); highest among the groups gnomAD compares: Non-Finnish European, 0.00051%; no homozygotes.

Submissions (2):

PreventionGenetics, part of Exact Sciences
Classification: Uncertain significance for VPS13B-related condition. Last evaluated: 2026-06-06. Review status: criteria provided, single submitter. Criteria: ACMG Guidelines, 2015. Collection method: clinical testing. Allele origin: germline.
Comment: The VPS13B c.7655T>C variant is predicted to result in the amino acid substitution p.Met2552Thr. To our knowledge, this variant has not been reported in the literature. This variant is reported in 0.00088% of alleles in individuals of European (Non-Finnish) descent in gnomAD. At this time, the clinical significance of this variant is uncertain due to the absence of conclusive functional and genetic evidence.

Ambry Genetics
Classification: Uncertain significance for Inborn genetic diseases. Last evaluated: 2025-04-01. Review status: criteria provided, single submitter. Criteria: Ambry Variant Classification Scheme 2023. Collection method: clinical testing. Allele origin: germline.